The following is an entry in ClinVar:

NM_006846.4(SPINK5):c.1092+238T>A

Gene: SPINK5 (serine peptidase inhibitor Kazal type 5; plus strand). Cytogenetic location: 5q32.
Variant type: single nucleotide variant.
Coding change: c.1092+238T>A on transcript NM_006846.4 (MANE Select); 238 bases into the intron after coding-DNA position 1092, T replaced by A.
Molecular consequence: intron variant.
Genome position (GRCh38, 1-based): chr5:148,099,553, T>A. VCF-style: chr5-148099553-T-A. GRCh37 (hg19) VCF-style: chr5-147479116-T-A.
Other names: c.1092+238T>A (NM_001127698.2, NM_001127699.2).
Identifiers: ClinVar variation 677136 (VCV000677136.1), dbSNP rs13172395, ClinGen allele CA128917453.

ClinVar aggregate classification (germline): Benign (1 of 4 stars; one submission).

Allele frequency attached by ClinVar (database versions not stated): 1000 Genomes Project 30x 0.43067; 1000 Genomes Project 0.43291; gnomAD 0.44161 and 0.44641; TOPMed 0.44525.
gnomAD v4.1: 67,835 of 151,688 alleles (45%); highest among the groups gnomAD compares: Admixed American, 58%; 16,510 homozygotes.

Submission:

GeneDx
Classification: Benign. Last evaluated: 2018-06-14. Review status: criteria provided, single submitter. Criteria: GeneDx Variant Classification (06012015). Collection method: clinical testing. Allele origin: germline. Affected: yes.
Comment: This variant is considered likely benign or benign based on one or more of the following criteria: it is a conservative change, it occurs at a poorly conserved position in the protein, it is predicted to be benign by multiple in silico algorithms, and/or has population frequency not consistent with disease.